The following is an entry in ClinVar:

ClinVar aggregate classification (germline): Likely benign. Review status: criteria provided, single submitter (1 of 4 stars). 3 submissions from 3 submitters: Likely benign (1). 2 of the submissions do not count toward it. Last evaluated 2025-02-12.

Conditions:
Metachromatic leukodystrophy (MLD). Also called: Arylsulfatase A Deficiency; SULFATIDE LIPIDOSIS; ARSA DEFICIENCY; CEREBROSIDE SULFATASE DEFICIENCY; Cerebral sclerosis diffuse metachromatic form; METACHROMATIC LEUKOENCEPHALOPATHY. Identifiers: Orphanet 512, MedGen C0023522, MONDO:0018868, OMIM 250100.
PSAP-related disorder. Also called: PSAP-related condition.
Sphingolipid activator protein 1 deficiency. Also called: Saposin B Deficiency; Metachromatic leukodystrophy due to saposin B deficiency; METACHROMATIC LEUKODYSTROPHY DUE TO CEREBROSIDE SULFATASE ACTIVATOR DEFICIENCY. Identifiers: Orphanet 512, MedGen C0268262, MONDO:0009590, OMIM 249900.

Allele frequency attached by ClinVar (database versions not stated): gnomAD exomes below 0.00001 and 0.00001; ExAC 0.00002; TOPMed 0.00002; gnomAD 0.00004 and 0.00005.

Submissions (3):

Labcorp Genetics (formerly Invitae), Labcorp
Classification: Likely benign for Sphingolipid activator protein 1 deficiency. Last evaluated: 2025-02-12. Review status: criteria provided, single submitter. Criteria: Invitae Variant Classification Sherloc (09022015). Collection method: clinical testing. Allele origin: germline.

Natera, Inc.
Classification: Uncertain significance for Metachromatic leukodystrophy. Last evaluated: 2020-04-11. Review status: no assertion criteria provided. Collection method: clinical testing. Allele origin: germline. Not counted in ClinVar's aggregate classification.

PreventionGenetics, part of Exact Sciences
Classification: Likely benign for PSAP-related condition. Last evaluated: 2019-06-21. Review status: no assertion criteria provided. Collection method: clinical testing. Allele origin: germline. Not counted in ClinVar's aggregate classification.
Comment: This variant is classified as likely benign based on ACMG/AMP sequence variant interpretation guidelines (Richards et al. 2015 PMID: 25741868, with internal and published modifications).

NM_002778.4(PSAP):c.41-17_41-9dup

Gene: PSAP (prosaposin; minus strand). Cytogenetic location: 10q22.1.
Variant type: Duplication.
Coding change: c.41-17_41-9dup on transcript NM_002778.4 (MANE Select); 17 bases into the intron before coding-DNA position 41 through 9 bases into the intron before coding-DNA position 41, 9 bases duplicated (GTTGGTTTT; older notation c.41-17_41-9dupGTTGGTTTT).
Molecular consequence: intron variant.
Genome position (GRCh38, 1-based): chr10:71,834,514-71,834,522, AAAACCAAC duplicated on the plus strand (GTTGGTTTT on the coding strand, the reverse complement: PSAP is on the minus strand). VCF-style (leftmost placement, unchanged base first): chr10-71834513-G-GAAAACCAAC. GRCh37 (hg19) VCF-style: chr10-73594270-G-GAAAACCAAC.
Other names: c.41-17_41-9dup (NM_001042466.3, NM_001042465.3); c.41-17_41-9dup9 (NM_002778.3); c.41-17_41-9dupGTTGGTTTT (NM_002778.4).
Identifiers: ClinVar variation 989892 (VCV000989892.12), dbSNP rs768077397, ClinGen allele CA5547925.